The following is an entry in ClinVar:

ClinVar aggregate classification (germline): Pathogenic (1 of 4 stars; one submission).

Submission:

Labcorp Genetics (formerly Invitae), Labcorp
Classification: Pathogenic. Last evaluated: 2023-09-06. Review status: criteria provided, single submitter. Criteria: Invitae Variant Classification Sherloc (09022015). Collection method: clinical testing. Allele origin: germline.
Comment: This sequence change creates a premature translational stop signal (p.Arg882*) in the PCLO gene. It is expected to result in an absent or disrupted protein product. Loss-of-function variants in PCLO are known to be pathogenic (PMID: 25832664, 30287594). For these reasons, this variant has been classified as Pathogenic. This variant has not been reported in the literature in individuals affected with PCLO-related conditions. This variant is not present in population databases (gnomAD no frequency).

Literature cited by the submitters: PubMed 25832664; PubMed 30287594.

NM_033026.6(PCLO):c.2644C>T (p.Arg882Ter)

Gene: PCLO (piccolo presynaptic cytomatrix protein; minus strand). Cytogenetic location: 7q21.11.
Variant type: single nucleotide variant.
Coding change: c.2644C>T on transcript NM_033026.6 (MANE Select); coding-DNA position 2644, C replaced by T.
Protein change: p.Arg882Ter; replaces arginine 882 with a stop codon.
Molecular consequence: nonsense.
Genome position (GRCh38, 1-based): chr7:83,134,906, G>A on the plus strand (C>T on the coding strand, the complement: PCLO is on the minus strand). VCF-style: chr7-83134906-G-A. GRCh37 (hg19) VCF-style: chr7-82764222-G-A.
Other names: c.2644C>T, p.Arg882Ter (NM_014510.3); short protein forms R882*.
Identifiers: ClinVar variation 2798018 (VCV002798018.3), dbSNP rs2484836120, ClinGen allele CA367899374.
Genomic context (GRCh38, chr7:83,134,906, plus strand): 5'-ACTGCTCCTGAGGCTTTGGGGACTGTTGAGGTGTGGGGACAGTTTGGCCAGCGGTAGGTC[G>A]TGGGCCAGGGGGTGTTGGTGACCCTTTTGGCATTGGCTTGGCATCTGGTTTAGGACTCAT-3'